The following is an entry in ClinVar:

ClinVar aggregate classification (germline): Uncertain significance (1 of 4 stars; one submission).

Submission:

CeGaT Center for Human Genetics Tuebingen
Classification: Uncertain significance. Last evaluated: 2024-09-01. Review status: criteria provided, single submitter. Criteria: CeGaT Center For Human Genetics Tuebingen Variant Classification Criteria Version 2. Collection method: clinical testing. Allele origin: germline. Affected: yes. Observed: 1 variant allele.
Comment: KIDINS220: PM2

NM_020738.4(KIDINS220):c.3585+2T>C

Gene: KIDINS220 (kinase D interacting substrate 220; minus strand). Cytogenetic location: 2p25.1.
Variant type: single nucleotide variant.
Coding change: c.3585+2T>C on transcript NM_020738.4 (MANE Select); the canonical splice donor site of the intron after coding-DNA position 3585, T replaced by C.
Molecular consequence: splice donor variant. On other transcripts: intron variant (11).
Genome position (GRCh38, 1-based): chr2:8,747,143, A>G on the plus strand (T>C on the coding strand, the complement: KIDINS220 is on the minus strand). VCF-style: chr2-8747143-A-G. GRCh37 (hg19) VCF-style: chr2-8887273-A-G.
Other names: c.3414+2969T>C (NM_001348741.2, NM_001348742.2, NM_001348743.2 and 1 more transcripts); c.3528+744T>C (NM_001348738.2, NM_001348732.2); c.3417+2969T>C (NM_001348739.2, NM_001348740.2, NM_001348734.2); c.3531+744T>C (NM_001348731.2); c.3588+2T>C (NM_001348729.2); c.3288+2969T>C (NM_001348736.2).
Identifiers: ClinVar variation 3389550 (VCV003389550.14).